The following is an entry in ClinVar:

NM_173630.4(RTTN):c.5656A>G (p.Ile1886Val)

Gene: RTTN (rotatin; minus strand). Cytogenetic location: 18q22.2.
Variant type: single nucleotide variant.
Coding change: c.5656A>G on transcript NM_173630.4 (MANE Select); coding-DNA position 5656, A replaced by G.
Protein change: p.Ile1886Val; replaces isoleucine 1886 with valine.
Molecular consequence: missense variant.
Genome position (GRCh38, 1-based): chr18:70,030,101, T>C on the plus strand (A>G on the coding strand, the complement: RTTN is on the minus strand). VCF-style: chr18-70030101-T-C. GRCh37 (hg19) VCF-style: chr18-67697337-T-C.
Other names: c.2920A>G, p.Ile974Val (NM_001318520.2); short protein forms I974V, I1886V.
Identifiers: ClinVar variation 2014725 (VCV002014725.4), dbSNP rs1280022492, ClinGen allele CA402687109.
Genomic context (GRCh38, chr18:70,030,101, plus strand): 5'-TCAGAGAATCTAGGTTCAGTTGTGCATTTATGTGTTTCATCTGCTCCATGCAATTGTCTA[T>C]AAGATTGGCTGAAAGACAAAATCTGCAGTAGTCAAAAGGATATTCTATTTCCAAGTAAGT-3'
Protein context (NP_775901.3, residues 1876-1896): AQKHALKANL[Ile1886Val]DNCMEQMKHI

ClinVar aggregate classification (germline): Uncertain significance (1 of 4 stars; one submission).

Allele frequency attached by ClinVar (database versions not stated): gnomAD exomes below 0.00001; TOPMed 0.00001.
gnomAD v4.1: 2 of 1,611,042 alleles (0.00012%); highest among the groups gnomAD compares: East Asian, 0.0045%; no homozygotes.

Submission:

Labcorp Genetics (formerly Invitae), Labcorp
Classification: Uncertain significance. Last evaluated: 2022-07-20. Review status: criteria provided, single submitter. Criteria: Invitae Variant Classification Sherloc (09022015). Collection method: clinical testing. Allele origin: germline.
Comment: In summary, the available evidence is currently insufficient to determine the role of this variant in disease. Therefore, it has been classified as a Variant of Uncertain Significance. Algorithms developed to predict the effect of missense changes on protein structure and function output the following: SIFT: "Tolerated"; PolyPhen-2: "Benign"; Align-GVGD: "Class C0". The valine amino acid residue is found in multiple mammalian species, which suggests that this missense change does not adversely affect protein function. This variant has not been reported in the literature in individuals affected with RTTN-related conditions. This variant is present in population databases (no rsID available, gnomAD 0.01%). This sequence change replaces isoleucine, which is neutral and non-polar, with valine, which is neutral and non-polar, at codon 1886 of the RTTN protein (p.Ile1886Val).